The following is an entry in ClinVar:

NM_000051.4(ATM):c.95del (p.Arg32fs)

Gene: ATM (ATM serine/threonine kinase; plus strand). Cytogenetic location: 11q22.3.
Variant type: Deletion.
Coding change: c.95del on transcript NM_000051.4 (MANE Select); coding-DNA position 95, one base deleted (G; older notation c.95delG).
Protein change: p.Arg32fs; shifts the reading frame from arginine 32.
Molecular consequence: frameshift variant.
Genome position (GRCh38, 1-based): chr11:108,227,798, G deleted. VCF-style (leftmost placement, unchanged base first): chr11-108227797-CG-C. GRCh37 (hg19) VCF-style: chr11-108098524-CG-C.
Other names: c.95del, p.Arg32fs (NM_001351834.2, NM_001351835.2, NM_001351836.2); short protein forms R32fs.
Identifiers: ClinVar variation 1767526 (VCV001767526.2), dbSNP rs2496894498, ClinGen allele CA2580083044.

ClinVar aggregate classification (germline): Pathogenic (1 of 4 stars; one submission).

Conditions:
Hereditary cancer-predisposing syndrome. Also called: Hereditary Cancer Syndrome; Hereditary neoplastic syndrome; Neoplastic Syndromes, Hereditary; Tumor predisposition. Identifiers: Orphanet 140162, MedGen C0027672, MeSH D009386, MONDO:0015356.

Submission:

Ambry Genetics
Classification: Pathogenic for Hereditary cancer-predisposing syndrome. Last evaluated: 2021-12-08. Review status: criteria provided, single submitter. Criteria: Ambry Variant Classification Scheme 2023. Collection method: clinical testing. Allele origin: germline.
Comment: The c.95delG pathogenic mutation, located in coding exon 2 of the ATM gene, results from a deletion of one nucleotide at nucleotide position 95, causing a translational frameshift with a predicted alternate stop codon (p.R32Pfs*2). This variant is considered to be rare based on population cohorts in the Genome Aggregation Database (gnomAD). This alteration is expected to result in loss of function by premature protein truncation or nonsense-mediated mRNA decay. As such, this alteration is interpreted as a disease-causing mutation.